The following is an entry in ClinVar:

NM_212482.4(FN1):c.3602C>T (p.Pro1201Leu)

Gene: FN1 (fibronectin 1; minus strand). Cytogenetic location: 2q35.
Variant type: single nucleotide variant.
Coding change: c.3602C>T on transcript NM_212482.4 (MANE Select); coding-DNA position 3602, C replaced by T.
Protein change: p.Pro1201Leu; replaces proline 1201 with leucine.
Molecular consequence: missense variant.
Genome position (GRCh38, 1-based): chr2:215,397,139, G>A on the plus strand (C>T on the coding strand, the complement: FN1 is on the minus strand). VCF-style: chr2-215397139-G-A. GRCh37 (hg19) VCF-style: chr2-216261862-G-A.
Other names: c.3602C>T, p.Pro1201Leu (NM_001306129.2, NM_001306130.2, NM_001306131.2 and 13 more transcripts); short protein forms P1201L.
Identifiers: ClinVar variation 2779349 (VCV002779349.3), dbSNP rs2060391683, ClinGen allele CA350486888.

ClinVar aggregate classification (germline): Uncertain significance (1 of 4 stars; one submission).

Allele frequency attached by ClinVar (database versions not stated): gnomAD exomes below 0.00001; TOPMed below 0.00001.
gnomAD v4.1: 2 of 1,610,096 alleles (0.00012%); highest among the groups gnomAD compares: Admixed American, 0.0033%; no homozygotes.

Submission:

Labcorp Genetics (formerly Invitae), Labcorp
Classification: Uncertain significance. Last evaluated: 2023-08-10. Review status: criteria provided, single submitter. Criteria: Invitae Variant Classification Sherloc (09022015). Collection method: clinical testing. Allele origin: germline.
Comment: This variant is not present in population databases (gnomAD no frequency). In summary, the available evidence is currently insufficient to determine the role of this variant in disease. Therefore, it has been classified as a Variant of Uncertain Significance. An algorithm developed to predict the effect of missense changes on protein structure and function (PolyPhen-2) suggests that this variant is likely to be disruptive. This variant has not been reported in the literature in individuals affected with FN1-related conditions. This sequence change replaces proline, which is neutral and non-polar, with leucine, which is neutral and non-polar, at codon 1201 of the FN1 protein (p.Pro1201Leu).